The following is an entry in ClinVar:

NM_001368882.1(COL13A1):c.1026+5T>A

Gene: COL13A1 (collagen type XIII alpha 1 chain; plus strand). Cytogenetic location: 10q22.1.
Variant type: single nucleotide variant.
Coding change: c.1026+5T>A on transcript NM_001368882.1 (MANE Select); 5 bases into the intron after coding-DNA position 1026, T replaced by A.
Molecular consequence: intron variant.
Genome position (GRCh38, 1-based): chr10:69,919,093, T>A. VCF-style: chr10-69919093-T-A. GRCh37 (hg19) VCF-style: chr10-71678849-T-A.
Other names: c.1026+5T>A (NM_001320951.2, NM_001368884.1); c.1056+5T>A (NM_001130103.2); c.990+5T>A (NM_080801.4, NM_080802.4, NM_001368883.1 and 1 more transcripts); c.999+5T>A (NM_080800.4); c.426+5T>A (NM_001368886.1); c.903+5T>A (NM_080805.4); c.912+5T>A (NM_001368897.1); c.936+5T>A (NM_001368895.1); and 1 more.
Identifiers: ClinVar variation 1475957 (VCV001475957.6), dbSNP rs2064289922, ClinGen allele CA929656405.
Genomic context (GRCh38, chr10:69,919,093, plus strand): 5'-CTCACATTTGTTTCTCTTTTTCCACACAGGGTGAGCCAGGGATCCCAGGAACCAAGGTAC[T>A]GATGCAGAGAGAATGTTCCGGGCTGCACAGAGCATCGGTCATGGGCAGAGGTGGGAGGGG-3'

ClinVar aggregate classification (germline): Uncertain significance (1 of 4 stars; one submission).

Allele frequency attached by ClinVar (database versions not stated): gnomAD exomes below 0.00001; TOPMed below 0.00001; gnomAD 0.00001.
gnomAD v4.1: 7 of 1,613,916 alleles (0.00043%); highest among the groups gnomAD compares: Admixed American, 0.0017%; no homozygotes.

Submission:

Labcorp Genetics (formerly Invitae), Labcorp
Classification: Uncertain significance. Last evaluated: 2022-07-15. Review status: criteria provided, single submitter. Criteria: Invitae Variant Classification Sherloc (09022015). Collection method: clinical testing. Allele origin: germline.
Comment: This sequence change falls in intron 20 of the COL13A1 gene. It does not directly change the encoded amino acid sequence of the COL13A1 protein. It affects a nucleotide within the consensus splice site. This variant is not present in population databases (gnomAD no frequency). This variant has not been reported in the literature in individuals affected with COL13A1-related conditions. ClinVar contains an entry for this variant (Variation ID: 1475957). Variants that disrupt the consensus splice site are a relatively common cause of aberrant splicing (PMID: 17576681, 9536098). Algorithms developed to predict the effect of sequence changes on RNA splicing suggest that this variant is not likely to affect RNA splicing. In summary, the available evidence is currently insufficient to determine the role of this variant in disease. Therefore, it has been classified as a Variant of Uncertain Significance.

Literature cited by the submitters: PubMed 17576681; PubMed 9536098.